The following is an entry in ClinVar:

ClinVar aggregate classification (germline): Uncertain significance. Review status: criteria provided, multiple submitters, no conflicts (2 of 4 stars). 2 submissions from 2 submitters: Uncertain significance (2). Last evaluated 2025-04-29.

Conditions:
Inborn genetic diseases. Identifiers: MedGen C0950123, MeSH D030342.
Short-rib thoracic dysplasia 11 with or without polydactyly (SRTD11). Also called: SHORT-RIB THORACIC DYSPLASIA 11 WITHOUT POLYDACTYLY. Identifiers: Orphanet 474, Orphanet 93271, MedGen C3810200, MONDO:0014287, OMIM 615633.

Allele frequency attached by ClinVar (database versions not stated): gnomAD 0.00001; gnomAD exomes 0.00001 and 0.00002; ExAC 0.00002; TOPMed 0.00002.
gnomAD v4.1: 20 of 1,613,754 alleles (0.0012%); highest among the groups gnomAD compares: East Asian, 0.013%; no homozygotes.

Submissions (2):

Labcorp Genetics (formerly Invitae), Labcorp
Classification: Uncertain significance for Short-rib thoracic dysplasia 11 with or without polydactyly. Last evaluated: 2025-04-29. Review status: criteria provided, single submitter. Criteria: Invitae Variant Classification Sherloc (09022015). Collection method: clinical testing. Allele origin: germline.
Comment: This sequence change replaces threonine, which is neutral and polar, with methionine, which is neutral and non-polar, at codon 89 of the WDR34 protein (p.Thr89Met). This variant is present in population databases (rs763370150, gnomAD 0.02%). This variant has not been reported in the literature in individuals affected with WDR34-related conditions. ClinVar contains an entry for this variant (Variation ID: 1681259). An algorithm developed to predict the effect of missense changes on protein structure and function (PolyPhen-2) suggests that this variant is likely to be disruptive. In summary, the available evidence is currently insufficient to determine the role of this variant in disease. Therefore, it has been classified as a Variant of Uncertain Significance.

Ambry Genetics
Classification: Uncertain significance for Inborn genetic diseases. Last evaluated: 2024-03-19. Review status: criteria provided, single submitter. Criteria: Ambry Variant Classification Scheme 2023. Collection method: clinical testing. Allele origin: germline.

NM_052844.4(DYNC2I2):c.266C>T (p.Thr89Met)

Gene: DYNC2I2 (dynein 2 intermediate chain 2; minus strand). Cytogenetic location: 9q34.11.
Variant type: single nucleotide variant.
Coding change: c.266C>T on transcript NM_052844.4 (MANE Select); coding-DNA position 266, C replaced by T.
Protein change: p.Thr89Met; replaces threonine 89 with methionine.
Molecular consequence: missense variant.
Genome position (GRCh38, 1-based): chr9:128,640,860, G>A on the plus strand (C>T on the coding strand, the complement: DYNC2I2 is on the minus strand). VCF-style: chr9-128640860-G-A. GRCh37 (hg19) VCF-style: chr9-131403139-G-A.
Other names: c.266C>T (NM_052844.3); short protein forms T89M.
Identifiers: ClinVar variation 1681259 (VCV001681259.5), dbSNP rs763370150, ClinGen allele CA5266682.